The following is an entry in ClinVar:

NM_033380.3(COL4A5):c.872A>C (p.Gln291Pro)

Gene: COL4A5 (collagen type IV alpha 5 chain; plus strand). Cytogenetic location: Xq22.3.
Variant type: single nucleotide variant.
Coding change: c.872A>C on transcript NM_033380.3 (MANE Select); coding-DNA position 872, A replaced by C.
Protein change: p.Gln291Pro; replaces glutamine 291 with proline.
Molecular consequence: missense variant.
Genome position (GRCh38, 1-based): chrX:108,580,719, A>C. VCF-style: chrX-108580719-A-C. GRCh37 (hg19) VCF-style: chrX-107823949-A-C.
Other names: c.872A>C, p.Gln291Pro (NM_000495.5); short protein forms Q291P.
Identifiers: ClinVar variation 1897433 (VCV001897433.4), dbSNP rs780961456, ClinGen allele CA10488596.

ClinVar aggregate classification (germline): Uncertain significance (1 of 4 stars; one submission).

Allele frequency attached by ClinVar (database versions not stated): gnomAD exomes below 0.00001; ExAC 0.00002; TOPMed 0.00002; gnomAD 0.00004.
gnomAD v4.1: 5 of 1,208,943 alleles (0.00041%); highest among the groups gnomAD compares: African/African-American, 0.0088%; no homozygotes.

Submission:

Labcorp Genetics (formerly Invitae), Labcorp
Classification: Uncertain significance. Last evaluated: 2025-06-12. Review status: criteria provided, single submitter. Criteria: Invitae Variant Classification Sherloc (09022015). Collection method: clinical testing. Allele origin: germline.
Comment: This sequence change replaces glutamine, which is neutral and polar, with proline, which is neutral and non-polar, at codon 291 of the COL4A5 protein (p.Gln291Pro). This variant is present in population databases (rs780961456, gnomAD 0.02%). This variant has not been reported in the literature in individuals affected with COL4A5-related conditions. ClinVar contains an entry for this variant (Variation ID: 1897433). Invitae Evidence Modeling of protein sequence and biophysical properties (such as structural, functional, and spatial information, amino acid conservation, physicochemical variation, residue mobility, and thermodynamic stability) indicates that this missense variant is not expected to disrupt COL4A5 protein function with a negative predictive value of 95%. In summary, the available evidence is currently insufficient to determine the role of this variant in disease. Therefore, it has been classified as a Variant of Uncertain Significance.